The following is an entry in ClinVar:

NM_004415.4(DSP):c.3953A>G (p.Lys1318Arg)

Gene: DSP (desmoplakin; plus strand). Cytogenetic location: 6p24.3.
Variant type: single nucleotide variant.
Coding change: c.3953A>G on transcript NM_004415.4 (MANE Select); coding-DNA position 3953, A replaced by G.
Protein change: p.Lys1318Arg; replaces lysine 1318 with arginine.
Molecular consequence: missense variant. On other transcripts: intron variant (1).
Genome position (GRCh38, 1-based): chr6:7,580,143, A>G. VCF-style: chr6-7580143-A-G. GRCh37 (hg19) VCF-style: chr6-7580376-A-G.
Other names: c.3953A>G, p.Lys1318Arg (NM_001319034.2); c.3582+371A>G (NM_001008844.3); short protein forms K1318R.
Identifiers: ClinVar variation 1956618 (VCV001956618.5), dbSNP rs1277008079, ClinGen allele CA362685219.

ClinVar aggregate classification (germline): Uncertain significance (1 of 4 stars; one submission).

Conditions:
Arrhythmogenic cardiomyopathy with wooly hair and keratoderma. Also called: Arrhythmogenic cardiomyopathy with woolly hair and keratoderma; Carvajal syndrome; PALMOPLANTAR KERATODERMA WITH LEFT VENTRICULAR CARDIOMYOPATHY AND WOOLLY HAIR; Dilated cardiomyopathy with woolly hair and keratoderma. Identifiers: Orphanet 65282, MedGen C1854063, MONDO:0011581, OMIM 605676.
Arrhythmogenic right ventricular dysplasia 8 (ARVD8). Also called: Arrhythmogenic Right Ventricular Dysplasia/Cardiomyopathy 8; ARRHYTHMOGENIC RIGHT VENTRICULAR CARDIOMYOPATHY 8; ARRHYTHMOGENIC RIGHT VENTRICULAR DYSPLASIA, FAMILIAL, 8. Identifiers: MedGen C1843896, MONDO:0011831, OMIM 607450.

Allele frequency attached by ClinVar (database versions not stated): gnomAD 0.00001.
gnomAD v4.1: 1 of 1,614,060 alleles (0.000062%); highest among the groups gnomAD compares: Non-Finnish European, 0.000085%; no homozygotes.

Submission:

Labcorp Genetics (formerly Invitae), Labcorp
Classification: Uncertain significance for Arrhythmogenic cardiomyopathy with wooly hair and keratoderma; Arrhythmogenic right ventricular dysplasia 8. Last evaluated: 2021-12-10. Review status: criteria provided, single submitter. Criteria: Invitae Variant Classification Sherloc (09022015). Collection method: clinical testing. Allele origin: germline.
Comment: Algorithms developed to predict the effect of missense changes on protein structure and function output the following: SIFT: "Tolerated"; PolyPhen-2: "Benign"; Align-GVGD: "Class C0". The arginine amino acid residue is found in multiple mammalian species, which suggests that this missense change does not adversely affect protein function. This variant has not been reported in the literature in individuals affected with DSP-related conditions. This variant is present in population databases (no rsID available, gnomAD 0.007%). This sequence change replaces lysine, which is basic and polar, with arginine, which is basic and polar, at codon 1318 of the DSP protein (p.Lys1318Arg). In summary, the available evidence is currently insufficient to determine the role of this variant in disease. Therefore, it has been classified as a Variant of Uncertain Significance.